The following is an entry in ClinVar:

ClinVar aggregate classification (germline): Likely benign. Review status: criteria provided, multiple submitters, no conflicts (2 of 4 stars). 4 submissions from 4 submitters: Likely benign (4). Last evaluated 2025-11-12.

Conditions:
MYH6-related disorder. Also called: MYH6-Related Disorders; MYH6-related condition.
Cardiovascular phenotype. Identifiers: MedGen CN230736.
Hypertrophic cardiomyopathy 14. Identifiers: MedGen C2750467, MONDO:0013197, OMIM 613251.

Allele frequency attached by ClinVar (database versions not stated): gnomAD exomes 0.00003 and 0.00008; ExAC 0.00007; 1000 Genomes Project 30x 0.00016; TOPMed 0.00018; 1000 Genomes Project 0.00020; gnomAD 0.00024 and 0.00025; ESP Exome Variant Server 0.00038.
gnomAD v4.1: 78 of 1,614,094 alleles (0.0048%); highest among the groups gnomAD compares: African/African-American, 0.1%; no homozygotes.

Submissions (4):

Labcorp Genetics (formerly Invitae), Labcorp
Classification: Likely benign for Hypertrophic cardiomyopathy 14. Last evaluated: 2025-11-12. Review status: criteria provided, single submitter. Criteria: Invitae Variant Classification Sherloc (09022015). Collection method: clinical testing. Allele origin: germline.

PreventionGenetics, part of Exact Sciences
Classification: Likely benign for MYH6-related condition. Last evaluated: 2025-03-28. Review status: criteria provided, single submitter. Criteria: ACMG Guidelines, 2015. Collection method: clinical testing. Allele origin: germline.
Comment: This variant is classified as likely benign based on ACMG/AMP sequence variant interpretation guidelines (Richards et al. 2015 PMID: 25741868, with internal and published modifications).

Ambry Genetics
Classification: Likely benign for Cardiovascular phenotype. Last evaluated: 2019-04-16. Review status: criteria provided, single submitter. Criteria: Ambry Variant Classification Scheme 2023. Collection method: clinical testing. Allele origin: germline.

GeneDx
Classification: Likely benign. Last evaluated: 2017-12-01. Review status: criteria provided, single submitter. Criteria: GeneDx Variant Classification (06012015). Collection method: clinical testing. Allele origin: germline. Affected: yes.
Comment: This variant is considered likely benign or benign based on one or more of the following criteria: it is a conservative change, it occurs at a poorly conserved position in the protein, it is predicted to be benign by multiple in silico algorithms, and/or has population frequency not consistent with disease.

NM_002471.4(MYH6):c.3234G>A (p.Leu1078=)

Gene: MYH6 (myosin heavy chain 6; minus strand). Cytogenetic location: 14q11.2.
Variant type: single nucleotide variant.
Coding change: c.3234G>A on transcript NM_002471.4 (MANE Select); coding-DNA position 3234, G replaced by A.
Protein change: p.Leu1078=; no amino-acid change (leucine 1078 retained).
Molecular consequence: synonymous variant.
Genome position (GRCh38, 1-based): chr14:23,392,929, C>T on the plus strand (G>A on the coding strand, the complement: MYH6 is on the minus strand). VCF-style: chr14-23392929-C-T. GRCh37 (hg19) VCF-style: chr14-23862138-C-T.
Identifiers: ClinVar variation 391889 (VCV000391889.14), dbSNP rs149682518, ClinGen allele CA7115273.